The following is an entry in ClinVar:

ClinVar aggregate classification (germline): Uncertain significance (1 of 4 stars; one submission).

Submission:

Labcorp Genetics (formerly Invitae), Labcorp
Classification: Uncertain significance. Last evaluated: 2024-01-19. Review status: criteria provided, single submitter. Criteria: Invitae Variant Classification Sherloc (09022015). Collection method: clinical testing. Allele origin: germline.
Comment: This sequence change replaces arginine, which is basic and polar, with glycine, which is neutral and non-polar, at codon 218 of the GRIN2D protein (p.Arg218Gly). This variant is not present in population databases (gnomAD no frequency). This variant has not been reported in the literature in individuals affected with GRIN2D-related conditions. ClinVar contains an entry for this variant (Variation ID: 1715033). Advanced modeling of protein sequence and biophysical properties (such as structural, functional, and spatial information, amino acid conservation, physicochemical variation, residue mobility, and thermodynamic stability) performed at Invitae indicates that this missense variant is not expected to disrupt GRIN2D protein function with a negative predictive value of 80%. In summary, the available evidence is currently insufficient to determine the role of this variant in disease. Therefore, it has been classified as a Variant of Uncertain Significance.

NM_000836.4(GRIN2D):c.652C>G (p.Arg218Gly)

Gene: GRIN2D (glutamate ionotropic receptor NMDA type subunit 2D; plus strand). Cytogenetic location: 19q13.33.
Variant type: single nucleotide variant.
Coding change: c.652C>G on transcript NM_000836.4 (MANE Select); coding-DNA position 652, C replaced by G.
Protein change: p.Arg218Gly; replaces arginine 218 with glycine.
Molecular consequence: missense variant.
Genome position (GRCh38, 1-based): chr19:48,404,920, C>G. VCF-style: chr19-48404920-C-G. GRCh37 (hg19) VCF-style: chr19-48908177-C-G.
Other names: short protein forms R218G.
Identifiers: ClinVar variation 1715033 (VCV001715033.5), dbSNP rs2513664315, ClinGen allele CA406691629.
Genomic context (GRCh38, chr19:48,404,920, plus strand): 5'-CGGGCCTTCCTGTCCTACATTGAGGTGCTGACTGACGGTAGTCTGGTGGGCTGGGAGCAC[C>G]GCGGAGCGCTGACGCTGGACCCTGGGGCGGGCGAGGCCGTGCTCAGTGCCCAGCTCCGCA-3'
Protein context (NP_000827.2, residues 208-228): TDGSLVGWEH[Arg218Gly]GALTLDPGAG